The following is an entry in ClinVar:

NM_004415.4(DSP):c.273+191A>G

Gene: DSP (desmoplakin; plus strand). Cytogenetic location: 6p24.3.
Variant type: single nucleotide variant.
Coding change: c.273+191A>G on transcript NM_004415.4 (MANE Select); 191 bases into the intron after coding-DNA position 273, A replaced by G.
Molecular consequence: intron variant.
Genome position (GRCh38, 1-based): chr6:7,556,011, A>G. VCF-style: chr6-7556011-A-G. GRCh37 (hg19) VCF-style: chr6-7556244-A-G.
Other names: c.273+191A>G (NM_001319034.2, NM_001008844.3).
Identifiers: ClinVar variation 675401 (VCV000675401.1), dbSNP rs77254190, ClinGen allele CA133948254.

ClinVar aggregate classification (germline): Benign (1 of 4 stars; one submission).

Allele frequency attached by ClinVar (database versions not stated): gnomAD 0.02552 and 0.02702; TOPMed 0.02885; 1000 Genomes Project 0.03015; 1000 Genomes Project 30x 0.03232.
gnomAD v4.1: 3,846 of 152,334 alleles (2.5%); highest among the groups gnomAD compares: African/African-American, 8.7%; 150 homozygotes.

Submission:

GeneDx
Classification: Benign. Last evaluated: 2018-06-14. Review status: criteria provided, single submitter. Criteria: GeneDx Variant Classification (06012015). Collection method: clinical testing. Allele origin: germline. Affected: yes.
Comment: This variant is considered likely benign or benign based on one or more of the following criteria: it is a conservative change, it occurs at a poorly conserved position in the protein, it is predicted to be benign by multiple in silico algorithms, and/or has population frequency not consistent with disease.